The following is an entry in ClinVar:

NM_000188.3(HK1):c.1468A>G (p.Arg490Gly)

Gene: HK1 (hexokinase 1; plus strand). Cytogenetic location: 10q22.1.
Variant type: single nucleotide variant.
Coding change: c.1468A>G on transcript NM_000188.3 (MANE Select); coding-DNA position 1468, A replaced by G.
Protein change: p.Arg490Gly; replaces arginine 490 with glycine.
Molecular consequence: missense variant. On other transcripts: non-coding transcript variant (2).
Genome position (GRCh38, 1-based): chr10:69,382,689, A>G. VCF-style: chr10-69382689-A-G. GRCh37 (hg19) VCF-style: chr10-71142445-A-G.
Other names: c.1480A>G, p.Arg494Gly (NM_001322364.2, NM_001358263.1, NM_033497.3 and 1 more transcripts); c.1573A>G, p.Arg525Gly (NM_001322365.2); c.1384A>G, p.Arg462Gly (NM_001322366.1, NM_001441143.1); c.1372A>G, p.Arg458Gly (NM_001322367.1); c.1468A>G, p.Arg490Gly (NM_001441139.1, NM_001441141.1, NM_001441145.1 and 2 more transcripts); c.1459A>G, p.Arg487Gly (NM_001441140.1); c.1426A>G, p.Arg476Gly (NM_001441142.1); c.460A>G, p.Arg154Gly (NM_001441153.1); and 8 more; short protein forms R368G, R458G, R490G, R416G, R462G, R476G, R525G, R360G.
Identifiers: ClinVar variation 4759627 (VCV004759627.1).

ClinVar aggregate classification (germline): Uncertain significance (1 of 4 stars; one submission).

gnomAD v4.1: 1 of 1,613,806 alleles (0.000062%); highest among the groups gnomAD compares: African/African-American, 0.0013%; no homozygotes.

Submission:

Labcorp Genetics (formerly Invitae), Labcorp
Classification: Uncertain significance. Last evaluated: 2025-04-27. Review status: criteria provided, single submitter. Criteria: Invitae Variant Classification Sherloc (09022015). Collection method: clinical testing. Allele origin: germline.
Comment: This sequence change replaces arginine, which is basic and polar, with glycine, which is neutral and non-polar, at codon 490 of the HK1 protein (p.Arg490Gly). This variant is not present in population databases (gnomAD no frequency). This variant has not been reported in the literature in individuals affected with HK1-related conditions. Invitae Evidence Modeling of protein sequence and biophysical properties (such as structural, functional, and spatial information, amino acid conservation, physicochemical variation, residue mobility, and thermodynamic stability) indicates that this missense variant is not expected to disrupt HK1 protein function with a negative predictive value of 80%. In summary, the available evidence is currently insufficient to determine the role of this variant in disease. Therefore, it has been classified as a Variant of Uncertain Significance.